The following is an entry in ClinVar:

NM_000548.5(TSC2):c.4233C>T (p.Ser1411=)

Gene: TSC2 (TSC complex subunit 2; plus strand). Cytogenetic location: 16p13.3.
Variant type: single nucleotide variant.
Coding change: c.4233C>T on transcript NM_000548.5 (MANE Select); coding-DNA position 4233, C replaced by T.
Protein change: p.Ser1411=; no amino-acid change (serine 1411 retained).
Molecular consequence: synonymous variant.
Genome position (GRCh38, 1-based): chr16:2,084,455, C>T. VCF-style: chr16-2084455-C-T. GRCh37 (hg19) VCF-style: chr16-2134456-C-T.
Other names: c.4032C>T, p.Ser1344= (NM_001077183.3); c.4164C>T, p.Ser1388= (NM_001114382.3); c.3924C>T, p.Ser1308= (NM_001318827.2); c.3888C>T, p.Ser1296= (NM_001318829.2); c.3501C>T, p.Ser1167= (NM_001318831.2); c.4065C>T, p.Ser1355= (NM_001318832.2); c.4035C>T, p.Ser1345= (NM_001363528.2); c.4101C>T, p.Ser1367= (NM_001370404.1); and 1 more.
Identifiers: ClinVar variation 413641 (VCV000413641.14), dbSNP rs1060504090, ClinGen allele CA16614751.

ClinVar aggregate classification (germline): Benign/Likely benign. Review status: criteria provided, multiple submitters, no conflicts (2 of 4 stars). 4 submissions from 4 submitters: Benign (1); Likely benign (3). Last evaluated 2025-06-03.

Conditions:
Hereditary cancer-predisposing syndrome. Also called: Tumor predisposition; Neoplastic Syndromes, Hereditary; Hereditary Cancer Syndrome; Hereditary neoplastic syndrome. Identifiers: Orphanet 140162, MedGen C0027672, MeSH D009386, MONDO:0015356.
Tuberous sclerosis syndrome (TSC). Also called: Tuberous Sclerosis Complex; Tuberous sclerosis. Identifiers: Orphanet 805, MedGen C0041341, MONDO:0001734.
Tuberous sclerosis 2 (TSC2). Identifiers: Orphanet 805, MedGen C1860707, MONDO:0013199, OMIM 613254.

Submissions (4):

Myriad Genetics, Inc.
Classification: Benign for Tuberous sclerosis 2. Last evaluated: 2025-06-03. Review status: criteria provided, single submitter. Criteria: Myriad Autosomal Dominant, Autosomal Recessive and X-Linked Classification Criteria (2023). Collection method: clinical testing. Allele origin: unknown.
Comment: This variant is considered benign. This variant is a silent/synonymous amino acid change and it is not expected to impact splicing.

Labcorp Genetics (formerly Invitae), Labcorp
Classification: Likely benign for Tuberous sclerosis 2. Last evaluated: 2024-03-20. Review status: criteria provided, single submitter. Criteria: Invitae Variant Classification Sherloc (09022015). Collection method: clinical testing. Allele origin: germline.

Ambry Genetics
Classification: Likely benign for Hereditary cancer-predisposing syndrome. Last evaluated: 2024-01-07. Review status: criteria provided, single submitter. Criteria: Ambry Variant Classification Scheme 2023. Collection method: clinical testing. Allele origin: germline.

All of Us Research Program, National Institutes of Health
Classification: Likely benign for Tuberous sclerosis syndrome. Last evaluated: 2023-07-10. Review status: criteria provided, single submitter. Criteria: ACMG Guidelines, 2015. Collection method: clinical testing. Allele origin: germline. Inheritance: Autosomal dominant inheritance. Observed: 1 variant allele, 1 heterozygote.
Comment: This study involves interpretation of variants in research participants for the purpose of population health screening. Participant phenotype was not available at the time of variant classification. Additional details can be found in publication PMID: 35346344, PMCID: PMC8962531